The following is an entry in ClinVar:

ClinVar aggregate classification (germline): Likely benign. Review status: criteria provided, multiple submitters, no conflicts (2 of 4 stars). 4 submissions from 4 submitters: Likely benign (3). 1 of the submissions does not count toward it. Last evaluated 2024-04-25.

Conditions:
DNAI2-related disorder. Also called: DNAI2-related condition.
Primary ciliary dyskinesia. Also called: Ciliary dyskinesia. Identifiers: Orphanet 244, MedGen C0008780, MONDO:0016575, HP:0012265.

Allele frequency attached by ClinVar (database versions not stated): gnomAD exomes 0.00001 and 0.00002; ExAC 0.00006; ESP Exome Variant Server 0.00015; TOPMed 0.00015; gnomAD 0.00017 and 0.00019.
gnomAD v4.1: 40 of 1,614,060 alleles (0.0025%); highest among the groups gnomAD compares: African/African-American, 0.047%; no homozygotes.

Submissions (4):

Labcorp Genetics (formerly Invitae), Labcorp
Classification: Likely benign for Primary ciliary dyskinesia. Last evaluated: 2024-04-25. Review status: criteria provided, single submitter. Criteria: Invitae Variant Classification Sherloc (09022015). Collection method: clinical testing. Allele origin: germline.

Blueprint Genetics
Classification: Likely benign. Last evaluated: 2024-04-22. Review status: criteria provided, single submitter. Criteria: ACMG Guidelines, 2015. Collection method: clinical testing. Allele origin: germline.

Ambry Genetics
Classification: Likely benign for Primary ciliary dyskinesia. Last evaluated: 2022-03-04. Review status: criteria provided, single submitter. Criteria: Ambry Variant Classification Scheme 2023. Collection method: clinical testing. Allele origin: germline.

PreventionGenetics, part of Exact Sciences
Classification: Likely benign for DNAI2-related condition. Last evaluated: 2019-07-16. Review status: no assertion criteria provided. Collection method: clinical testing. Allele origin: germline. Not counted in ClinVar's aggregate classification.
Comment: This variant is classified as likely benign based on ACMG/AMP sequence variant interpretation guidelines (Richards et al. 2015 PMID: 25741868, with internal and published modifications).

NM_023036.6(DNAI2):c.1179A>G (p.Glu393=)

Gene: DNAI2 (dynein axonemal intermediate chain 2; plus strand). Cytogenetic location: 17q25.1.
Variant type: single nucleotide variant.
Coding change: c.1179A>G on transcript NM_023036.6 (MANE Select); coding-DNA position 1179, A replaced by G.
Protein change: p.Glu393=; no amino-acid change (glutamic acid 393 retained).
Molecular consequence: synonymous variant. On other transcripts: non-coding transcript variant (1).
Genome position (GRCh38, 1-based): chr17:74,305,410, A>G. VCF-style: chr17-74305410-A-G. GRCh37 (hg19) VCF-style: chr17-72301549-A-G.
Other names: c.1179A>G, p.Glu393= (NM_001172810.3, NM_001353167.2).
Identifiers: ClinVar variation 415317 (VCV000415317.17), dbSNP rs146478497, ClinGen allele CA8745628.